The following is an entry in ClinVar:

NC_000007.13:g.(?_158677235)_(158677330_?)del

Gene: DYNC2I1 (dynein 2 intermediate chain 1; plus strand). Cytogenetic location: 7q36.3.
Variant type: Deletion.
Identifiers: ClinVar variation 1680624 (VCV001680624.4).

ClinVar aggregate classification (germline): Pathogenic (1 of 4 stars; one submission).

Conditions:
Short-rib thoracic dysplasia 8 with or without polydactyly (SRTD8). Also called: SHORT-RIB THORACIC DYSPLASIA 8 WITH POLYDACTYLY. Identifiers: Orphanet 93271, MedGen C3809691, MONDO:0014214, OMIM 615503.

Submission:

Labcorp Genetics (formerly Invitae), Labcorp
Classification: Pathogenic for Short-rib thoracic dysplasia 8 with or without polydactyly. Last evaluated: 2021-08-12. Review status: criteria provided, single submitter. Criteria: Invitae Variant Classification Sherloc (09022015). Collection method: clinical testing. Allele origin: germline.
Comment: This variant is a gross deletion of the genomic region encompassing exon(s) 6 of the WDR60 gene. This deletion is out-of-frame, and is expected to create a premature termination codon and result in an absent or disrupted protein product. Loss-of-function variants in WDR60 are known to be pathogenic (PMID: 9068549, 23910462). This variant has not been reported in the literature in individuals affected with WDR60-related conditions. For these reasons, this variant has been classified as Pathogenic.

Literature cited by the submitters: PubMed 9068549; PubMed 23910462.